The following is an entry in ClinVar:

NM_003098.3(SNTA1):c.1141T>C (p.Phe381Leu)

Gene: SNTA1 (syntrophin alpha 1; minus strand). Cytogenetic location: 20q11.21.
Variant type: single nucleotide variant.
Coding change: c.1141T>C on transcript NM_003098.3 (MANE Select); coding-DNA position 1141, T replaced by C.
Protein change: p.Phe381Leu; replaces phenylalanine 381 with leucine.
Molecular consequence: missense variant.
Genome position (GRCh38, 1-based): chr20:33,410,231, A>G on the plus strand (T>C on the coding strand, the complement: SNTA1 is on the minus strand). VCF-style: chr20-33410231-A-G. GRCh37 (hg19) VCF-style: chr20-31998037-A-G.
Other names: c.1141T>C, p.Phe381Leu (NM_001424413.1, NM_001424414.1); short protein forms F381L.
Identifiers: ClinVar variation 4171241 (VCV004171241.1).
Genomic context (GRCh38, chr20:33,410,231, plus strand): 5'-GACAGCCATCCACAAGCTGGCGGGTCCAGGCAGCCAGCTCCTGCGGTGACTCCACGCTGA[A>G]CAGGTGAGTGTCCACACCGTGACGCGTGCCCGTGCGCAGGGCAAAAGAGAGCTCTGCATC-3'
Protein context (NP_003089.1, residues 371-391): GTRHGVDTHL[Phe381Leu]SVESPQELAA

ClinVar aggregate classification (germline): Uncertain significance (1 of 4 stars; one submission).

Conditions:
Cardiovascular phenotype. Identifiers: MedGen CN230736.

gnomAD v4.1: 2 of 1,613,892 alleles (0.00012%); highest among the groups gnomAD compares: Non-Finnish European, 0.00017%; no homozygotes.

Submission:

Ambry Genetics
Classification: Uncertain significance for Cardiovascular phenotype. Last evaluated: 2025-08-06. Review status: criteria provided, single submitter. Criteria: Ambry Variant Classification Scheme 2023. Collection method: clinical testing. Allele origin: germline.
Comment: The p.F381L variant (also known as c.1141T>C), located in coding exon 6 of the SNTA1 gene, results from a T to C substitution at nucleotide position 1141. The phenylalanine at codon 381 is replaced by leucine, an amino acid with highly similar properties. This amino acid position is conserved. In addition, this alteration is predicted to be deleterious by in silico analysis. Based on the available evidence, the clinical significance of this variant remains unclear.